The following is an entry in ClinVar:

NM_003597.5(KLF11):c.486A>G (p.Pro162=)

Gene: KLF11 (KLF transcription factor 11; plus strand). Cytogenetic location: 2p25.1.
Variant type: single nucleotide variant.
Coding change: c.486A>G on transcript NM_003597.5 (MANE Select); coding-DNA position 486, A replaced by G.
Protein change: p.Pro162=; no amino-acid change (proline 162 retained).
Molecular consequence: synonymous variant.
Genome position (GRCh38, 1-based): chr2:10,047,823, A>G. VCF-style: chr2-10047823-A-G. GRCh37 (hg19) VCF-style: chr2-10187950-A-G.
Other names: c.435A>G, p.Pro145= (NM_001177716.2, NM_001177718.2).
Identifiers: ClinVar variation 330628 (VCV000330628.12), dbSNP rs146462049, ClinGen allele CA1525521.

ClinVar aggregate classification (germline): Benign/Likely benign. Review status: criteria provided, multiple submitters, no conflicts (2 of 4 stars). 6 submissions from 6 submitters: Benign (1); Likely benign (4). 1 of the submissions does not count toward it. Last evaluated 2025-09-08.

Conditions:
KLF11-related disorder. Also called: KLF11-related condition.
Maturity-onset diabetes of the young type 7 (MODY7). Identifiers: Orphanet 552, MedGen C1864839, MONDO:0012513, OMIM 610508.

Allele frequency attached by ClinVar (database versions not stated): gnomAD exomes 0.00005 and 0.00015; 1000 Genomes Project 30x 0.00016; 1000 Genomes Project 0.00020; ExAC 0.00023; ESP Exome Variant Server 0.00077; gnomAD 0.00084 and 0.00093; TOPMed 0.00093.
gnomAD v4.1: 198 of 1,613,804 alleles (0.012%); highest among the groups gnomAD compares: African/African-American, 0.25%; no homozygotes.

Submissions (6):

Labcorp Genetics (formerly Invitae), Labcorp
Classification: Benign. Last evaluated: 2025-09-08. Review status: criteria provided, single submitter. Criteria: Invitae Variant Classification Sherloc (09022015). Collection method: clinical testing. Allele origin: germline.

PreventionGenetics, part of Exact Sciences
Classification: Likely benign for KLF11-related condition. Last evaluated: 2025-01-26. Review status: criteria provided, single submitter. Criteria: ACMG Guidelines, 2015. Collection method: clinical testing. Allele origin: germline.
Comment: This variant is classified as likely benign based on ACMG/AMP sequence variant interpretation guidelines (Richards et al. 2015 PMID: 25741868, with internal and published modifications).

Blueprint Genetics
Classification: Likely benign. Last evaluated: 2024-10-18. Review status: criteria provided, single submitter. Criteria: ACMG Guidelines, 2015. Collection method: clinical testing. Allele origin: germline.

GeneDx
Classification: Likely benign. Last evaluated: 2020-10-01. Review status: criteria provided, single submitter. Criteria: GeneDx Variant Classification Process June 2021. Collection method: clinical testing. Allele origin: germline. Affected: yes.
Comment: See Variant Classification Assertion Criteria.

Illumina Laboratory Services, Illumina
Classification: Likely benign for Maturity-onset diabetes of the young type 7. Last evaluated: 2018-01-12. Review status: criteria provided, single submitter. Criteria: ICSL Variant Classification Criteria 13 December 2019. Collection method: clinical testing. Allele origin: germline.
Comment: This variant was observed in the ICSL laboratory as part of a predisposition screen in an ostensibly healthy population. It had not been previously curated by ICSL or reported in the Human Gene Mutation Database (HGMD: prior to June 1st, 2018), and was therefore a candidate for classification through an automated scoring system. Utilizing variant allele frequency, disease prevalence and penetrance estimates, and inheritance mode, an automated score was calculated to assess if this variant is too frequent to cause the disease. Based on the score and internal cut-off values, a variant classified as likely benign is not then subjected to further curation. The score for this variant resulted in a classification of likely benign for this disease.

Genetic Services Laboratory, University of Chicago
Classification: Likely benign. Last evaluated: 2022-08-31. Review status: no assertion criteria provided. Collection method: clinical testing. Allele origin: germline. Affected: no. Not counted in ClinVar's aggregate classification.